The following is an entry in ClinVar:

ClinVar aggregate classification (germline): Uncertain significance (1 of 4 stars; one submission).

Conditions:
Brugada syndrome. Also called: Sudden unexpected nocturnal death syndrome; Sudden unexplained nocturnal death syndrome; Sudden Unexplained Death Syndrome; Sudden Unexplained Nocturnal Death Syndrome (SUNDS). Identifiers: Orphanet 130, MedGen C1142166, MONDO:0015263.

Submission:

Labcorp Genetics (formerly Invitae), Labcorp
Classification: Uncertain significance for Brugada syndrome. Last evaluated: 2023-11-07. Review status: criteria provided, single submitter. Criteria: Invitae Variant Classification Sherloc (09022015). Collection method: clinical testing. Allele origin: germline.
Comment: This sequence change creates a premature translational stop signal (p.Arg99Glufs*7) in the SCN10A gene. It is expected to result in an absent or disrupted protein product. However, the current clinical and genetic evidence is not sufficient to establish whether loss-of-function variants in SCN10A cause disease. This variant is not present in population databases (gnomAD no frequency). This variant has not been reported in the literature in individuals affected with SCN10A-related conditions. In summary, the available evidence is currently insufficient to determine the role of this variant in disease. Therefore, it has been classified as a Variant of Uncertain Significance.

NM_006514.4(SCN10A):c.294dup (p.Arg99fs)

Gene: SCN10A (sodium voltage-gated channel alpha subunit 10; minus strand). Cytogenetic location: 3p22.2.
Variant type: Duplication.
Coding change: c.294dup on transcript NM_006514.4 (MANE Select); coding-DNA position 294, one base duplicated (G; older notation c.294dupG).
Protein change: p.Arg99fs; shifts the reading frame from arginine 99.
Molecular consequence: frameshift variant.
Genome position (GRCh38, 1-based): chr3:38,792,145, C duplicated on the plus strand (G on the coding strand, the reverse complement: SCN10A is on the minus strand); the first of 3 consecutive C bases (chr3:38,792,145-38,792,147); duplicating any one gives the same sequence. VCF-style (leftmost placement, unchanged base first): chr3-38792144-T-TC. GRCh37 (hg19) VCF-style: chr3-38833635-T-TC.
Other names: c.294dup, p.Arg99fs (NM_001293306.2, NM_001293307.2); short protein forms R99fs.
Identifiers: ClinVar variation 2888463 (VCV002888463.3), dbSNP rs2470895835, ClinGen allele CA2665123056.